The following is an entry in ClinVar:

NM_000601.6(HGF):c.1765G>C (p.Val589Leu)

Gene: HGF (hepatocyte growth factor; minus strand). Cytogenetic location: 7q21.11.
Variant type: single nucleotide variant.
Coding change: c.1765G>C on transcript NM_000601.6 (MANE Select); coding-DNA position 1765, G replaced by C.
Protein change: p.Val589Leu; replaces valine 589 with leucine.
Molecular consequence: missense variant.
Genome position (GRCh38, 1-based): chr7:81,705,746, C>G on the plus strand (G>C on the coding strand, the complement: HGF is on the minus strand). VCF-style: chr7-81705746-C-G. GRCh37 (hg19) VCF-style: chr7-81335062-C-G.
Other names: c.1750G>C, p.Val584Leu (NM_001010932.3); short protein forms V584L, V589L.
Identifiers: ClinVar variation 3361357 (VCV003361357.1).

ClinVar aggregate classification (germline): Uncertain significance (1 of 4 stars; one submission).

gnomAD v4.1: 4 of 1,605,308 alleles (0.00025%); highest among the groups gnomAD compares: East Asian, 0.0022%; no homozygotes.

Submission:

GeneDx
Classification: Uncertain significance. Last evaluated: 2023-07-25. Review status: criteria provided, single submitter. Criteria: GeneDx Variant Classification Process June 2021. Collection method: clinical testing. Allele origin: germline. Affected: yes.
Comment: Not observed at significant frequency in large population cohorts (gnomAD); In silico analysis supports that this missense variant does not alter protein structure/function; Has not been previously published as pathogenic or benign to our knowledge